The following is an entry in ClinVar:

ClinVar aggregate classification (germline): Likely benign. Review status: criteria provided, single submitter (1 of 4 stars). 2 submissions from 2 submitters: Likely benign (1). 1 of the submissions does not count toward it. Last evaluated 2025-07-27.

Conditions:
Autosomal recessive spastic paraplegia type 78. Identifiers: Orphanet 513436, MedGen C5567893, MONDO:0014975, OMIM 617225.
Kufor-Rakeb syndrome (KRS). Also called: PARKINSON DISEASE 9, AUTOSOMAL RECESSIVE, JUVENILE-ONSET. Identifiers: Orphanet 306674, Orphanet 314632, MedGen C1847640, MONDO:0011706, OMIM 606693.
ATP13A2-related disorder. Also called: ATP13A2-related condition; ATP13A2-related disorders.

Allele frequency attached by ClinVar (database versions not stated): TOPMed below 0.00001; gnomAD 0.00001; ExAC 0.00002; gnomAD exomes 0.00002.
gnomAD v4.1: 33 of 1,613,950 alleles (0.002%); highest among the groups gnomAD compares: Non-Finnish European, 0.0024%; no homozygotes.

Submissions (2):

Labcorp Genetics (formerly Invitae), Labcorp
Classification: Likely benign for Kufor-Rakeb syndrome; Autosomal recessive spastic paraplegia type 78. Last evaluated: 2025-07-27. Review status: criteria provided, single submitter. Criteria: Invitae Variant Classification Sherloc (09022015). Collection method: clinical testing. Allele origin: germline.

PreventionGenetics, part of Exact Sciences
Classification: Likely benign for ATP13A2-related condition. Last evaluated: 2022-08-30. Review status: no assertion criteria provided. Collection method: clinical testing. Allele origin: germline. Not counted in ClinVar's aggregate classification.
Comment: This variant is classified as likely benign based on ACMG/AMP sequence variant interpretation guidelines (Richards et al. 2015 PMID: 25741868, with internal and published modifications).

NM_022089.4(ATP13A2):c.471C>T (p.Val157=)

Gene: ATP13A2 (ATPase cation transporting 13A2; minus strand). Cytogenetic location: 1p36.13.
Variant type: single nucleotide variant.
Coding change: c.471C>T on transcript NM_022089.4 (MANE Select); coding-DNA position 471, C replaced by T.
Protein change: p.Val157=; no amino-acid change (valine 157 retained).
Molecular consequence: synonymous variant. On other transcripts: intron variant (2).
Genome position (GRCh38, 1-based): chr1:17,004,698, G>A on the plus strand (C>T on the coding strand, the complement: ATP13A2 is on the minus strand). VCF-style: chr1-17004698-G-A. GRCh37 (hg19) VCF-style: chr1-17331193-G-A.
Other names: c.471C>T (NM_022089.3); c.462+9C>T (NM_001141974.3, NM_001141973.3).
Identifiers: ClinVar variation 1124202 (VCV001124202.9), dbSNP rs762608323, ClinGen allele CA637640.
Genomic context (GRCh38, chr1:17,004,698, plus strand): 5'-CACAGATCATGAAACCGAGGCCGAGAGAGGGGCAAGGACTTTTTCAGAACCCACCTGTCC[G>A]ACACTCACCGCCTCCTCGCTCTTGTGGAGCTGGGCCGTATCCTTCCAGGCACCCTCTGGT-3'
Protein context (NP_071372.1, residues 147-167): QLHKSEEAVS[Val157=]GQKRVLRYYL